The following is an entry in ClinVar:

NM_000089.4(COL1A2):c.3288_3296del (p.1091PPG[3])

Gene: COL1A2 (collagen type I alpha 2 chain; plus strand). Cytogenetic location: 7q21.3.
Variant type: Deletion.
Coding change: c.3288_3296del on transcript NM_000089.4 (MANE Select); coding-DNA positions 3288 to 3296, 9 bases deleted (CCCTCCTGG; older notation c.3288_3296delCCCTCCTGG).
Protein change: p.1091PPG[3].
Molecular consequence: inframe deletion.
Genome position (GRCh38, 1-based): chr7:94,427,647-94,427,655, CCCTCCTGG deleted; deleting any 9 consecutive bases within chr7:94,427,642-94,427,655 gives the same sequence; the c. name uses the placement nearest the transcript's 3' end. VCF-style (leftmost placement, unchanged base first): chr7-94427641-CCCTGGCCCT-C. GRCh37 (hg19) VCF-style: chr7-94056953-CCCTGGCCCT-C.
Identifiers: ClinVar variation 4886362 (VCV004886362.2).
Genomic context (GRCh38, chr7:94,427,641, plus strand): 5'-TGTAACAAAATATAAAGCCTCTCCTATCTCACTTTCACCTTTGCAGGGCCCCCCTGGTCC[CCCTGGCCCT>C]CCTGGACCTCCAGGTGTAAGCGGTGGTGGTTATGACTTTGGTTACGATGGAGACTTCTAC-3'

ClinVar aggregate classification (germline): Uncertain significance (1 of 4 stars; one submission).

Submission:

Dasa
Classification: Uncertain significance. Last evaluated: 2026-02-27. Review status: criteria provided, single submitter. Criteria: DASA Assertion Criteria. Collection method: clinical testing. Allele origin: germline.
Comment: NM_000089.4(COL1A2):c.3288_3296del (p.Pro1100_Gly1102del) is an in-frame deletion predicted to remove amino acids from proline at protein position 1100 through glycine at protein position 1102 without shifting the reading frame. This variant is absent from population databases. The currently available literature and clinical evidence are not sufficient to establish a definitive association between this variant and the reported condition. Therefore, this variant is classified as a variant of uncertain significance.